The following is an entry in ClinVar:

NM_015378.4(VPS13D):c.6350G>A (p.Ser2117Asn)

Gene: VPS13D (vacuolar protein sorting 13 homolog D; plus strand). Cytogenetic location: 1p36.22.
Variant type: single nucleotide variant.
Coding change: c.6350G>A on transcript NM_015378.4 (MANE Select); coding-DNA position 6350, G replaced by A.
Protein change: p.Ser2117Asn; replaces serine 2117 with asparagine.
Molecular consequence: missense variant.
Genome position (GRCh38, 1-based): chr1:12,304,639, G>A. VCF-style: chr1-12304639-G-A. GRCh37 (hg19) VCF-style: chr1-12364696-G-A.
Other names: p.Ser2117Asn; c.6350G>A, p.Ser2117Asn (NM_018156.4); short protein forms S2117N.
Identifiers: ClinVar variation 2071945 (VCV002071945.3), dbSNP rs148218951, ClinGen allele CA602569.

ClinVar aggregate classification (germline): Conflicting classifications of pathogenicity. Review status: criteria provided, conflicting classifications (1 of 4 stars). 3 submissions from 3 submitters: Uncertain significance (1); Likely benign (2). Last evaluated 2025-03-08.

Conditions:
Inborn genetic diseases. Identifiers: MedGen C0950123, MeSH D030342.

Allele frequency attached by ClinVar (database versions not stated): 1000 Genomes Project 0.00080; ESP Exome Variant Server 0.00108; gnomAD exomes 0.00006; gnomAD 0.00038; TOPMed 0.00044; ExAC 0.00022; 1000 Genomes Project 30x 0.00062.
gnomAD v4.1: 151 of 1,614,132 alleles (0.0094%); highest among the groups gnomAD compares: African/African-American, 0.14%; no homozygotes.

Submissions (3):

Mayo Clinic Laboratories, Mayo Clinic
Classification: Likely benign. Last evaluated: 2025-03-08. Review status: criteria provided, single submitter. Criteria: ACMG Guidelines, 2015. Collection method: clinical testing. Allele origin: germline. Observed: 2 variant alleles.
Comment: BS1, BP4

Labcorp Genetics (formerly Invitae), Labcorp
Classification: Uncertain significance. Last evaluated: 2022-08-20. Review status: criteria provided, single submitter. Criteria: Invitae Variant Classification Sherloc (09022015). Collection method: clinical testing. Allele origin: germline.
Comment: This sequence change replaces serine, which is neutral and polar, with asparagine, which is neutral and polar, at codon 2117 of the VPS13D protein (p.Ser2117Asn). This variant is present in population databases (rs148218951, gnomAD 0.2%). This variant has not been reported in the literature in individuals affected with VPS13D-related conditions. Algorithms developed to predict the effect of missense changes on protein structure and function (SIFT, PolyPhen-2, Align-GVGD) all suggest that this variant is likely to be tolerated. In summary, the available evidence is currently insufficient to determine the role of this variant in disease. Therefore, it has been classified as a Variant of Uncertain Significance.

Ambry Genetics
Classification: Likely benign for Inborn genetic diseases. Last evaluated: 2022-01-26. Review status: criteria provided, single submitter. Criteria: Ambry Variant Classification Scheme 2023. Collection method: clinical testing. Allele origin: germline.